The following is an entry in ClinVar:

NM_000038.6(APC):c.4040C>T (p.Ala1347Val)

Gene: APC (APC regulator of Wnt signaling pathway; plus strand). Cytogenetic location: 5q22.2.
Variant type: single nucleotide variant.
Coding change: c.4040C>T on transcript NM_000038.6 (MANE Select); coding-DNA position 4040, C replaced by T.
Protein change: p.Ala1347Val; replaces alanine 1347 with valine.
Molecular consequence: missense variant. On other transcripts: non-coding transcript variant (2).
Genome position (GRCh38, 1-based): chr5:112,839,634, C>T. VCF-style: chr5-112839634-C-T. GRCh37 (hg19) VCF-style: chr5-112175331-C-T.
Other names: c.4040C>T, p.Ala1347Val (NM_001127510.3, NM_001354895.2, NM_001407450.1); c.3986C>T, p.Ala1329Val (NM_001127511.3); c.4094C>T, p.Ala1365Val (NM_001354896.2, NM_001407447.1, NM_001407448.1 and 1 more transcripts); c.4070C>T, p.Ala1357Val (NM_001354897.2); c.3965C>T, p.Ala1322Val (NM_001354898.2); c.3956C>T, p.Ala1319Val (NM_001354899.2); c.3917C>T, p.Ala1306Val (NM_001354900.2); c.3863C>T, p.Ala1288Val (NM_001354901.2, NM_001407453.1); and 11 more; short protein forms A1064V, A1187V, A1218V, A1221V, A1246V, A1256V, A1264V, A1288V.
Identifiers: ClinVar variation 3620635 (VCV003620635.2).

ClinVar aggregate classification (germline): Uncertain significance (1 of 4 stars; one submission).

Conditions:
Familial adenomatous polyposis 1 (FAP1). Also called: FAMILIAL ADENOMATOUS POLYPOSIS 1, ATTENUATED; POLYPOSIS, ADENOMATOUS INTESTINAL. Identifiers: MedGen C2713442, MONDO:0021056, OMIM 175100. Disease mechanism: loss of function.

gnomAD v4.1: 1 of 1,614,122 alleles (0.000062%); highest among the groups gnomAD compares: Non-Finnish European, 0.000085%; no homozygotes.

Submission:

Labcorp Genetics (formerly Invitae), Labcorp
Classification: Uncertain significance for Familial adenomatous polyposis 1. Last evaluated: 2024-04-10. Review status: criteria provided, single submitter. Criteria: Invitae Variant Classification Sherloc (09022015). Collection method: clinical testing. Allele origin: germline.
Comment: This sequence change replaces alanine, which is neutral and non-polar, with valine, which is neutral and non-polar, at codon 1347 of the APC protein (p.Ala1347Val). This variant is not present in population databases (gnomAD no frequency). This variant has not been reported in the literature in individuals affected with APC-related conditions. Advanced modeling of protein sequence and biophysical properties (such as structural, functional, and spatial information, amino acid conservation, physicochemical variation, residue mobility, and thermodynamic stability) performed at Invitae indicates that this missense variant is not expected to disrupt APC protein function with a negative predictive value of 95%. In summary, the available evidence is currently insufficient to determine the role of this variant in disease. Therefore, it has been classified as a Variant of Uncertain Significance.